The following is an entry in ClinVar:

ClinVar aggregate classification (germline): Uncertain significance (1 of 4 stars; one submission).

Conditions:
Treacher Collins syndrome 1 (TCS1). Also called: TCOF1-Related Treacher Collins Syndrome. Identifiers: Orphanet 861, MedGen CN315775, MONDO:0007944, OMIM 154500.

Submission:

Labcorp Genetics (formerly Invitae), Labcorp
Classification: Uncertain significance for Treacher Collins syndrome 1. Last evaluated: 2021-11-27. Review status: criteria provided, single submitter. Criteria: Invitae Variant Classification Sherloc (09022015). Collection method: clinical testing. Allele origin: germline.
Comment: In summary, the available evidence is currently insufficient to determine the role of this variant in disease. Therefore, it has been classified as a Variant of Uncertain Significance. Experimental studies and prediction algorithms are not available or were not evaluated, and the functional significance of this variant is currently unknown. This variant has not been reported in the literature in individuals affected with TCOF1-related conditions. This variant is present in population databases (no rsID available, gnomAD 0.008%). This variant, c.973_999del, results in the deletion of 9 amino acid(s) of the TCOF1 protein (p.Ala325_Gly333del), but otherwise preserves the integrity of the reading frame.

NM_001371623.1(TCOF1):c.973_999del (p.Ala325_Gly333del)

Gene: TCOF1 (treacle ribosome biogenesis factor 1; plus strand). Cytogenetic location: 5q32.
Variant type: Deletion.
Coding change: c.973_999del on transcript NM_001371623.1 (MANE Select); coding-DNA positions 973 to 999, 27 bases deleted (GCTGTAGCCTCCCAGACCAAGGCAGGG).
Protein change: p.Ala325_Gly333del.
Molecular consequence: inframe deletion.
Genome position (GRCh38, 1-based): chr5:150,374,276-150,374,302, GCTGTAGCCTCCCAGACCAAGGCAGGG deleted; deleting any 27 consecutive bases within chr5:150,374,267-150,374,302 gives the same sequence; the c. name uses the placement nearest the transcript's 3' end. VCF-style (leftmost placement, unchanged base first): chr5-150374266-GAAGGCAGGGGCTGTAGCCTCCCAGACC-G. GRCh37 (hg19) VCF-style: chr5-149753829-GAAGGCAGGGGCTGTAGCCTCCCAGACC-G.
Other names: c.742_768del, p.Ala248_Gly256del (NM_000356.4, NM_001135245.2); c.973_999del, p.Ala325_Gly333del (NM_001008657.3, NM_001135243.2, NM_001135244.2 and 1 more transcripts).
Identifiers: ClinVar variation 1404063 (VCV001404063.6), dbSNP rs1562337018, ClinGen allele CA563573584.